The following is an entry in ClinVar:

ClinVar aggregate classification (germline): Uncertain significance (1 of 4 stars; one submission).

Conditions:
Pyogenic arthritis-pyoderma gangrenosum-acne syndrome (PAPA). Also called: FAMILIAL RECURRENT ARTHRITIS; PAPA SYNDROME. Identifiers: Orphanet 69126, MedGen C1858361, MONDO:0011462, OMIM 604416.

Submission:

Labcorp Genetics (formerly Invitae), Labcorp
Classification: Uncertain significance for Pyogenic arthritis-pyoderma gangrenosum-acne syndrome. Last evaluated: 2025-06-02. Review status: criteria provided, single submitter. Criteria: Invitae Variant Classification Sherloc (09022015). Collection method: clinical testing. Allele origin: germline.
Comment: This sequence change replaces glutamine, which is neutral and polar, with arginine, which is basic and polar, at codon 82 of the PSTPIP1 protein (p.Gln82Arg). This variant is not present in population databases (gnomAD no frequency). This variant has not been reported in the literature in individuals affected with PSTPIP1-related conditions. ClinVar contains an entry for this variant (Variation ID: 2805781). An algorithm developed to predict the effect of missense changes on protein structure and function (PolyPhen-2) suggests that this variant is likely to be tolerated. In summary, the available evidence is currently insufficient to determine the role of this variant in disease. Therefore, it has been classified as a Variant of Uncertain Significance.

NM_003978.5(PSTPIP1):c.245A>G (p.Gln82Arg)

Gene: PSTPIP1 (proline-serine-threonine phosphatase interacting protein 1; plus strand). Cytogenetic location: 15q24.3.
Variant type: single nucleotide variant.
Coding change: c.245A>G on transcript NM_003978.5 (MANE Select); coding-DNA position 245, A replaced by G.
Protein change: p.Gln82Arg; replaces glutamine 82 with arginine.
Molecular consequence: missense variant. On other transcripts: non-coding transcript variant (1).
Genome position (GRCh38, 1-based): chr15:77,025,316, A>G. VCF-style: chr15-77025316-A-G. GRCh37 (hg19) VCF-style: chr15-77317657-A-G.
Other names: c.245A>G, p.Gln82Arg (NM_001321135.2, NM_001411086.1); c.218A>G, p.Gln73Arg (NM_001321136.2); c.440A>G, p.Gln147Arg (NM_001321137.1); short protein forms Q73R, Q147R, Q82R.
Identifiers: ClinVar variation 2805781 (VCV002805781.3), dbSNP rs2542794781, ClinGen allele CA393518682.